The following is an entry in ClinVar:

NM_001366385.1(CARD14):c.846G>A (p.Ala282=)

Gene: CARD14 (caspase recruitment domain family member 14; plus strand). Cytogenetic location: 17q25.3.
Variant type: single nucleotide variant.
Coding change: c.846G>A on transcript NM_001366385.1 (MANE Select); coding-DNA position 846, G replaced by A.
Protein change: p.Ala282=; no amino-acid change (alanine 282 retained).
Molecular consequence: synonymous variant. On other transcripts: non-coding transcript variant (1).
Genome position (GRCh38, 1-based): chr17:80,189,755, G>A. VCF-style: chr17-80189755-G-A. GRCh37 (hg19) VCF-style: chr17-78163554-G-A.
Other names: c.846G>A, p.Ala282= (NM_001257970.1, NM_024110.4); c.135G>A, p.Ala45= (NM_052819.3).
Identifiers: ClinVar variation 1989842 (VCV001989842.4), dbSNP rs1007674397, ClinGen allele CA294863808.

ClinVar aggregate classification (germline): Uncertain significance (1 of 4 stars; one submission).

Conditions:
Psoriasis 2. Identifiers: MedGen C1864497, MONDO:0011269, OMIM 602723.
Pityriasis rubra pilaris (PRP). Also called: Pityriasis rubra pilaris--familial type. Identifiers: Orphanet 2897, MedGen C0032027, MONDO:0100017, OMIM 173200, MONDO:0008251.

Allele frequency attached by ClinVar (database versions not stated): gnomAD 0.00001; TOPMed 0.00002.
gnomAD v4.1: 21 of 1,575,308 alleles (0.0013%); highest among the groups gnomAD compares: Middle Eastern, 0.018%; no homozygotes.

Submission:

Labcorp Genetics (formerly Invitae), Labcorp
Classification: Uncertain significance for Pityriasis rubra pilaris; Psoriasis 2. Last evaluated: 2024-05-23. Review status: criteria provided, single submitter. Criteria: Invitae Variant Classification Sherloc (09022015). Collection method: clinical testing. Allele origin: germline.
Comment: This sequence change affects codon 282 of the CARD14 mRNA. It is a 'silent' change, meaning that it does not change the encoded amino acid sequence of the CARD14 protein. The frequency data for this variant in the population databases is considered unreliable, as metrics indicate poor data quality at this position in the gnomAD database. This variant has not been reported in the literature in individuals affected with CARD14-related conditions. ClinVar contains an entry for this variant (Variation ID: 1989842). Algorithms developed to predict the effect of sequence changes on RNA splicing suggest that this variant may create or strengthen a splice site. In summary, the available evidence is currently insufficient to determine the role of this variant in disease. Therefore, it has been classified as a Variant of Uncertain Significance.